The following is an entry in ClinVar:

ClinVar aggregate classification (germline): Uncertain significance. Review status: criteria provided, multiple submitters, no conflicts (2 of 4 stars). 2 submissions from 2 submitters: Uncertain significance (2). Last evaluated 2025-09-25.

Conditions:
Neuropathy, hereditary motor and sensory, type 6B (HMSN6B). Also called: Neuropathy, hereditary motor and sensory, type VIB; NEUROPATHY, HEREDITARY MOTOR AND SENSORY, TYPE VIB, WITH OPTIC ATROPHY; HMSN VIB; CHARCOT-MARIE-TOOTH DISEASE, TYPE 6B. Identifiers: MedGen C4225302, MONDO:0014671, OMIM 616505.
Inborn genetic diseases. Identifiers: MedGen C0950123, MeSH D030342.

Allele frequency attached by ClinVar (database versions not stated): gnomAD 0.00001; gnomAD exomes 0.00003; ExAC 0.00002; TOPMed 0.00002.

Submissions (2):

Ambry Genetics
Classification: Uncertain significance for Inborn genetic diseases. Last evaluated: 2025-09-25. Review status: criteria provided, single submitter. Criteria: Ambry Variant Classification Scheme 2023. Collection method: clinical testing. Allele origin: germline.

Labcorp Genetics (formerly Invitae), Labcorp
Classification: Uncertain significance for Neuropathy, hereditary motor and sensory, type 6B. Last evaluated: 2024-07-24. Review status: criteria provided, single submitter. Criteria: Invitae Variant Classification Sherloc (09022015). Collection method: clinical testing. Allele origin: germline.
Comment: This sequence change replaces isoleucine, which is neutral and non-polar, with methionine, which is neutral and non-polar, at codon 105 of the SLC25A46 protein (p.Ile105Met). This variant is present in population databases (rs761386224, gnomAD 0.007%). This variant has not been reported in the literature in individuals affected with SLC25A46-related conditions. ClinVar contains an entry for this variant (Variation ID: 1044829). An algorithm developed to predict the effect of missense changes on protein structure and function (PolyPhen-2) suggests that this variant is likely to be disruptive. In summary, the available evidence is currently insufficient to determine the role of this variant in disease. Therefore, it has been classified as a Variant of Uncertain Significance.

NM_138773.4(SLC25A46):c.315T>G (p.Ile105Met)

Gene: SLC25A46 (solute carrier family 25 member 46; plus strand). Cytogenetic location: 5q22.1.
Variant type: single nucleotide variant.
Coding change: c.315T>G on transcript NM_138773.4 (MANE Select); coding-DNA position 315, T replaced by G.
Protein change: p.Ile105Met; replaces isoleucine 105 with methionine.
Molecular consequence: missense variant. On other transcripts: non-coding transcript variant (1).
Genome position (GRCh38, 1-based): chr5:110,742,078, T>G. VCF-style: chr5-110742078-T-G. GRCh37 (hg19) VCF-style: chr5-110077779-T-G.
Other names: c.315T>G, p.Ile105Met (NM_001303249.3); c.42T>G, p.Ile14Met (NM_001303250.3); short protein forms I105M, I14M.
Identifiers: ClinVar variation 1044829 (VCV001044829.11), dbSNP rs761386224, ClinGen allele CA3364535.